The following is an entry in ClinVar:

NM_000548.5(TSC2):c.5175G>A (p.Val1725=)

Gene: TSC2 (TSC complex subunit 2; plus strand). Cytogenetic location: 16p13.3.
Variant type: single nucleotide variant.
Coding change: c.5175G>A on transcript NM_000548.5 (MANE Select); coding-DNA position 5175, G replaced by A.
Protein change: p.Val1725=; no amino-acid change (valine 1725 retained).
Molecular consequence: synonymous variant.
Genome position (GRCh38, 1-based): chr16:2,088,241, G>A. VCF-style: chr16-2088241-G-A. GRCh37 (hg19) VCF-style: chr16-2138242-G-A.
Other names: c.4974G>A, p.Val1658= (NM_001077183.3); c.5106G>A, p.Val1702= (NM_001114382.3); c.4866G>A, p.Val1622= (NM_001318827.2); c.4830G>A, p.Val1610= (NM_001318829.2); c.4443G>A, p.Val1481= (NM_001318831.2); c.5007G>A, p.Val1669= (NM_001318832.2); c.4977G>A, p.Val1659= (NM_001363528.2); c.5043G>A, p.Val1681= (NM_001370404.1); and 2 more.
Identifiers: ClinVar variation 256632 (VCV000256632.16), dbSNP rs886038357, ClinGen allele CA10587229.

ClinVar aggregate classification (germline): Benign/Likely benign. Review status: criteria provided, multiple submitters, no conflicts (2 of 4 stars). 6 submissions from 6 submitters: Benign (1); Likely benign (5). Last evaluated 2025-10-31.

Conditions:
Hereditary cancer-predisposing syndrome. Also called: Neoplastic Syndromes, Hereditary; Hereditary neoplastic syndrome; Hereditary Cancer Syndrome; Tumor predisposition. Identifiers: Orphanet 140162, MedGen C0027672, MeSH D009386, MONDO:0015356.
Tuberous sclerosis syndrome (TSC). Also called: Tuberous Sclerosis Complex; Tuberous sclerosis. Identifiers: Orphanet 805, MedGen C0041341, MONDO:0001734.
Tuberous sclerosis 2 (TSC2). Identifiers: Orphanet 805, MedGen C1860707, MONDO:0013199, OMIM 613254.

Allele frequency attached by ClinVar (database versions not stated): TOPMed below 0.00001; gnomAD exomes 0.00001.
gnomAD v4.1: 6 of 1,611,074 alleles (0.00037%); highest among the groups gnomAD compares: Admixed American, 0.005%; no homozygotes.

Submissions (6):

Labcorp Genetics (formerly Invitae), Labcorp
Classification: Likely benign for Tuberous sclerosis 2. Last evaluated: 2025-10-31. Review status: criteria provided, single submitter. Criteria: Invitae Variant Classification Sherloc (09022015). Collection method: clinical testing. Allele origin: germline.

All of Us Research Program, National Institutes of Health
Classification: Likely benign for Tuberous sclerosis syndrome. Last evaluated: 2023-10-02. Review status: criteria provided, single submitter. Criteria: ACMG Guidelines, 2015. Collection method: clinical testing. Allele origin: germline. Inheritance: Autosomal dominant inheritance. Observed: 1 variant allele, 1 heterozygote.
Comment: This study involves interpretation of variants in research participants for the purpose of population health screening. Participant phenotype was not available at the time of variant classification. Additional details can be found in publication PMID: 35346344, PMCID: PMC8962531

Color Diagnostics, LLC DBA Color Health
Classification: Likely benign for Tuberous sclerosis syndrome. Last evaluated: 2023-09-27. Review status: criteria provided, single submitter. Criteria: ACMG Guidelines, 2015. Collection method: clinical testing. Allele origin: germline.

Genome-Nilou Lab
Classification: Benign for Tuberous sclerosis 2. Last evaluated: 2021-11-07. Review status: criteria provided, single submitter. Criteria: ACMG Guidelines, 2015. Collection method: clinical testing. Allele origin: germline. Affected: no.

Ambry Genetics
Classification: Likely benign for Hereditary cancer-predisposing syndrome. Last evaluated: 2020-03-25. Review status: criteria provided, single submitter. Criteria: Ambry Variant Classification Scheme 2023. Collection method: clinical testing. Allele origin: germline.

PreventionGenetics, part of Exact Sciences
Classification: Likely benign. Review status: criteria provided, single submitter. Criteria: ACMG Guidelines, 2015. Collection method: clinical testing. Allele origin: germline.